The following is an entry in ClinVar:

ClinVar aggregate classification (germline): Uncertain significance (1 of 4 stars; one submission).

Conditions:
Early-infantile DEE. Also called: Early infantile epileptic encephalopathy; Ohtahara syndrome; Early infantile epileptic encephalopathy with suppression bursts. Identifiers: Orphanet 1934, MedGen C0393706, MONDO:0800491.

Submission:

Labcorp Genetics (formerly Invitae), Labcorp
Classification: Uncertain significance for Early-infantile DEE. Last evaluated: 2024-05-15. Review status: criteria provided, single submitter. Criteria: Invitae Variant Classification Sherloc (09022015). Collection method: clinical testing. Allele origin: germline.
Comment: This sequence change falls in intron 20 of the SCN1A gene. It does not directly change the encoded amino acid sequence of the SCN1A protein. However, this sequence change falls within a region encompassing a cryptic exon in the SCN1A gene, in which variants have been shown to alter splicing (PMID: 30526861, 34107977). This variant is not present in population databases (gnomAD no frequency). This variant has been observed in individual(s) with clinical features of SCN1A-related conditions (Invitae). ClinVar contains an entry for this variant (Variation ID: 2063344). Algorithms developed to predict the effect of sequence changes on RNA splicing suggest that this variant is not likely to affect RNA splicing. In summary, the available evidence is currently insufficient to determine the role of this variant in disease. Therefore, it has been classified as a Variant of Uncertain Significance.

Literature cited by the submitters: PubMed 30526861; PubMed 34107977.

NM_001165963.4(SCN1A):c.4002+2281_4002+2287del

Genes: SCN1A (sodium voltage-gated channel alpha subunit 1; minus strand), LOC102724058 (uncharacterized LOC102724058; plus strand). Cytogenetic location: 2q24.3.
Variant type: Deletion.
Coding change: c.4002+2281_4002+2287del on transcript NM_001165963.4 (MANE Select); bases 2281 to 2287 of the intron after coding-DNA position 4002, 7 bases deleted (CTTAAAT; older notation c.4002+2281_4002+2287delCTTAAAT).
Molecular consequence: intron variant.
Genome position (GRCh38, 1-based): chr2:166,007,432-166,007,438, ATTTAAG deleted on the plus strand (CTTAAAT on the coding strand, the reverse complement: SCN1A is on the minus strand); deleting any 7 consecutive bases within chr2:166,007,432-166,007,442 gives the same sequence; the c. name uses the placement nearest the transcript's 3' end. VCF-style (leftmost placement, unchanged base first): chr2-166007431-TATTTAAG-T. GRCh37 (hg19) VCF-style: chr2-166863941-TATTTAAG-T.
Other names: c.3969+2281_3969+2287del (NM_001353949.2, NM_001353950.2, NM_001353951.2 and 2 more transcripts); c.3918+2281_3918+2287del (NM_001353958.2, NM_001353957.2, NM_001165964.3); c.4002+2281_4002+2287del (NM_001202435.3, NM_001353948.2); c.3966+2281_3966+2287del (NM_001353955.2, NM_001353954.2); c.3915+2281_3915+2287del (NM_001353960.2); c.1560+2281_1560+2287del (NM_001353961.2).
Identifiers: ClinVar variation 2063344 (VCV002063344.4), dbSNP rs2468472721, ClinGen allele CA2580064277.